The following is an entry in ClinVar:

NM_001355436.2(SPTB):c.4151G>A (p.Arg1384His)

Gene: SPTB (spectrin beta, erythrocytic; minus strand). Cytogenetic location: 14q23.3.
Variant type: single nucleotide variant.
Coding change: c.4151G>A on transcript NM_001355436.2 (MANE Select); coding-DNA position 4151, G replaced by A.
Protein change: p.Arg1384His; replaces arginine 1384 with histidine.
Molecular consequence: missense variant.
Genome position (GRCh38, 1-based): chr14:64,782,405, C>T on the plus strand (G>A on the coding strand, the complement: SPTB is on the minus strand). VCF-style: chr14-64782405-C-T. GRCh37 (hg19) VCF-style: chr14-65249123-C-T.
Other names: c.4151G>A, p.Arg1384His (NM_001024858.4, NM_001355437.2); short protein forms R1384H.
Identifiers: ClinVar variation 4702047 (VCV004702047.1).
Genomic context (GRCh38, chr14:64,782,405, plus strand): 5'-GACCGCAGCTGGTCCTCCATGGCGCTGATCCACTTGTTGAGGTCAGCATGGGTCTGCAAG[C>T]GCAGGTCGGAGCTCCTGGCAGCCGAGAGGTGCTGGGTCTTCTCCTTTGTGGTGGCCTGCA-3'
Protein context (NP_001342365.1, residues 1374-1394): HLSAARSSDL[Arg1384His]LQTHADLNKW

ClinVar aggregate classification (germline): Uncertain significance (1 of 4 stars; one submission).

gnomAD v4.1: 25 of 1,614,148 alleles (0.0015%); highest among the groups gnomAD compares: East Asian, 0.0067%; no homozygotes.

Submission:

Labcorp Genetics (formerly Invitae), Labcorp
Classification: Uncertain significance. Last evaluated: 2025-11-07. Review status: criteria provided, single submitter. Criteria: Invitae Variant Classification Sherloc (09022015). Collection method: clinical testing. Allele origin: germline.
Comment: This sequence change replaces arginine, which is basic and polar, with histidine, which is basic and polar, at codon 1384 of the SPTB protein (p.Arg1384His). This variant is present in population databases (rs757113392, gnomAD 0.02%). This variant has not been reported in the literature in individuals affected with SPTB-related conditions. An algorithm developed to predict the effect of missense changes on protein structure and function outputs the following: PolyPhen-2: "Benign". The histidine amino acid residue is found in multiple mammalian species, which suggests that this missense change does not adversely affect protein function. In summary, the available evidence is currently insufficient to determine the role of this variant in disease. Therefore, it has been classified as a Variant of Uncertain Significance.